The following is an entry in ClinVar:

NM_004304.5(ALK):c.253C>T (p.Pro85Ser)

Gene: ALK (ALK receptor tyrosine kinase; minus strand). Cytogenetic location: 2p23.1.
Variant type: single nucleotide variant.
Coding change: c.253C>T on transcript NM_004304.5 (MANE Select); coding-DNA position 253, C replaced by T.
Protein change: p.Pro85Ser; replaces proline 85 with serine.
Molecular consequence: missense variant.
Genome position (GRCh38, 1-based): chr2:29,920,407, G>A on the plus strand (C>T on the coding strand, the complement: ALK is on the minus strand). VCF-style: chr2-29920407-G-A. GRCh37 (hg19) VCF-style: chr2-30143273-G-A.
Other names: c.253C>T (NM_004304.4); short protein forms P85S.
Identifiers: ClinVar variation 2994913 (VCV002994913.4), dbSNP rs1043811061, ClinGen allele CA45004776.

ClinVar aggregate classification (germline): Uncertain significance. Review status: criteria provided, multiple submitters, no conflicts (2 of 4 stars). 2 submissions from 2 submitters: Uncertain significance (2). Last evaluated 2025-11-04.

Conditions:
Hereditary cancer-predisposing syndrome. Also called: Hereditary Cancer Syndrome; Hereditary neoplastic syndrome; Neoplastic Syndromes, Hereditary; Tumor predisposition. Identifiers: Orphanet 140162, MedGen C0027672, MeSH D009386, MONDO:0015356.
Neuroblastoma, susceptibility to, 3. Also called: ALK-Related Neuroblastic Tumor Susceptibility. Identifiers: Orphanet 635, MedGen C2751681, MONDO:0013083, OMIM 613014.

Allele frequency attached by ClinVar (database versions not stated): TOPMed below 0.00001; gnomAD 0.00001.
gnomAD v4.1: 1 of 1,583,006 alleles (0.000063%); highest among the groups gnomAD compares: African/African-American, 0.0013%; no homozygotes.

Submissions (2):

Labcorp Genetics (formerly Invitae), Labcorp
Classification: Uncertain significance for Neuroblastoma, susceptibility to, 3. Last evaluated: 2025-11-04. Review status: criteria provided, single submitter. Criteria: Invitae Variant Classification Sherloc (09022015). Collection method: clinical testing. Allele origin: germline.
Comment: This sequence change replaces proline, which is neutral and non-polar, with serine, which is neutral and polar, at codon 85 of the ALK protein (p.Pro85Ser). This variant is not present in population databases (gnomAD no frequency). This variant has not been reported in the literature in individuals affected with ALK-related conditions. ClinVar contains an entry for this variant (Variation ID: 2994913). An algorithm developed to predict the effect of missense changes on protein structure and function (PolyPhen-2) suggests that this variant is likely to be tolerated. In summary, the available evidence is currently insufficient to determine the role of this variant in disease. Therefore, it has been classified as a Variant of Uncertain Significance.

Ambry Genetics
Classification: Uncertain significance for Hereditary cancer-predisposing syndrome. Last evaluated: 2024-02-12. Review status: criteria provided, single submitter. Criteria: Ambry Variant Classification Scheme 2023. Collection method: clinical testing. Allele origin: germline.
Comment: The p.P85S variant (also known as c.253C>T), located in coding exon 1 of the ALK gene, results from a C to T substitution at nucleotide position 253. The proline at codon 85 is replaced by serine, an amino acid with similar properties. This amino acid position is conserved. In addition, this alteration is predicted to be tolerated by in silico analysis. Based on the available evidence, the clinical significance of this alteration remains unclear.